The following is an entry in ClinVar:

ClinVar aggregate classification (germline): Uncertain significance (1 of 4 stars; one submission).

gnomAD v4.1: 44 of 1,613,846 alleles (0.0027%); highest among the groups gnomAD compares: South Asian, 0.011%; no homozygotes.

Submission:

Labcorp Genetics (formerly Invitae), Labcorp
Classification: Uncertain significance. Last evaluated: 2026-01-11. Review status: criteria provided, single submitter. Criteria: Invitae Variant Classification Sherloc (09022015). Collection method: clinical testing. Allele origin: germline.
Comment: This sequence change replaces arginine, which is basic and polar, with cysteine, which is neutral and slightly polar, at codon 1238 of the DSCAML1 protein (p.Arg1238Cys). This variant is present in population databases (rs576070264, gnomAD 0.006%). This variant has not been reported in the literature in individuals affected with DSCAML1-related conditions. ClinVar contains an entry for this variant (Variation ID: 3716705). An algorithm developed to predict the effect of missense changes on protein structure and function (PolyPhen-2) suggests that this variant is likely to be disruptive. In summary, the available evidence is currently insufficient to determine the role of this variant in disease. Therefore, it has been classified as a Variant of Uncertain Significance.

NM_020693.4(DSCAML1):c.3532C>T (p.Arg1178Cys)

Gene: DSCAML1 (DS cell adhesion molecule like 1; minus strand). Cytogenetic location: 11q23.3.
Variant type: single nucleotide variant.
Coding change: c.3532C>T on transcript NM_020693.4 (MANE Select); coding-DNA position 3532, C replaced by T.
Protein change: p.Arg1178Cys; replaces arginine 1178 with cysteine.
Molecular consequence: missense variant.
Genome position (GRCh38, 1-based): chr11:117,458,790, G>A on the plus strand (C>T on the coding strand, the complement: DSCAML1 is on the minus strand). VCF-style: chr11-117458790-G-A. GRCh37 (hg19) VCF-style: chr11-117329506-G-A.
Other names: short protein forms R1178C.
Identifiers: ClinVar variation 3716705 (VCV003716705.2).
Genomic context (GRCh38, chr11:117,458,790, plus strand): 5'-TCCCAAGGAGAGGCCTGGACTCACCGTCCTCCTTGGTCTGGATGTAGAGCACACTGCTGC[G>A]TACGCCGTCCCCAGCCTGGGTGTAGGCCAGCACCTGGACGCTGTAGTTGGTGAACTTCTC-3'
Protein context (NP_065744.3, residues 1168-1188): LAYTQAGDGV[Arg1178Cys]SSVLYIQTKE